The following is an entry in ClinVar:

ClinVar aggregate classification (germline): Uncertain significance (1 of 4 stars; one submission).

Submission:

GeneDx
Classification: Uncertain significance. Last evaluated: 2024-10-21. Review status: criteria provided, single submitter. Criteria: GeneDx Variant Classification Process June 2021. Collection method: clinical testing. Allele origin: germline. Affected: yes.
Comment: Not observed at significant frequency in large population cohorts (gnomAD); Has not been previously published as pathogenic or benign to our knowledge; Nonsense variant predicted to result in protein truncation as the last 102 amino acid(s) are lost with an unclear effect on protein function

NM_005811.5(GDF11):c.916G>T (p.Glu306Ter)

Gene: GDF11 (growth differentiation factor 11; plus strand). Cytogenetic location: 12q13.2.
Variant type: single nucleotide variant.
Coding change: c.916G>T on transcript NM_005811.5 (MANE Select); coding-DNA position 916, G replaced by T.
Protein change: p.Glu306Ter; replaces glutamic acid 306 with a stop codon.
Molecular consequence: nonsense.
Genome position (GRCh38, 1-based): chr12:55,749,574, G>T. VCF-style: chr12-55749574-G-T. GRCh37 (hg19) VCF-style: chr12-56143358-G-T.
Other names: short protein forms E306*.
Identifiers: ClinVar variation 3893497 (VCV003893497.1).